The following is an entry in ClinVar:

NM_004974.4(KCNA2):c.749T>C (p.Phe250Ser)

Gene: KCNA2 (potassium voltage-gated channel subfamily A member 2; minus strand). Cytogenetic location: 1p13.3.
Variant type: single nucleotide variant.
Coding change: c.749T>C on transcript NM_004974.4 (MANE Select); coding-DNA position 749, T replaced by C.
Protein change: p.Phe250Ser; replaces phenylalanine 250 with serine.
Molecular consequence: missense variant.
Genome position (GRCh38, 1-based): chr1:110,604,034, A>G on the plus strand (T>C on the coding strand, the complement: KCNA2 is on the minus strand). VCF-style: chr1-110604034-A-G. GRCh37 (hg19) VCF-style: chr1-111146656-A-G.
Other names: c.749T>C, p.Phe250Ser (NM_001204269.2); short protein forms F250S.
Identifiers: ClinVar variation 1803587 (VCV001803587.2), dbSNP rs2524619142, ClinGen allele CA341603287.

ClinVar aggregate classification (germline): Uncertain significance (1 of 4 stars; one submission).

Submission:

GeneDx
Classification: Uncertain significance. Last evaluated: 2023-08-29. Review status: criteria provided, single submitter. Criteria: GeneDx Variant Classification Process June 2021. Collection method: clinical testing. Allele origin: germline.
Comment: Not observed at significant frequency in large population cohorts (gnomAD); In silico analysis supports that this missense variant has a deleterious effect on protein structure/function; Has not been previously published as pathogenic or benign to our knowledge